The following is an entry in ClinVar:

NM_001171613.2(PREPL):c.1905C>A (p.Tyr635Ter)

Genes: PREPL (prolyl endopeptidase like; minus strand), SLC3A1 (solute carrier family 3 member 1; plus strand). Cytogenetic location: 2p21.
Variant type: single nucleotide variant.
Coding change: c.1905C>A on transcript NM_001171613.2 (MANE Select); coding-DNA position 1905, C replaced by A.
Protein change: p.Tyr635Ter; replaces tyrosine 635 with a stop codon.
Molecular consequence: nonsense. On other transcripts: 3 prime UTR variant (1).
Genome position (GRCh38, 1-based): chr2:44,321,368, G>T on the plus strand (C>A on the coding strand, the complement: PREPL is on the minus strand). VCF-style: chr2-44321368-G-T. GRCh37 (hg19) VCF-style: chr2-44548507-G-T.
Other names: c.*729G>T (NM_000341.4); c.1986C>A, p.Tyr662Ter (NM_001042385.2); c.1974C>A, p.Tyr658Ter (NM_001042386.2); c.2172C>A, p.Tyr724Ter (NM_001171603.1, NM_001171606.2, NM_001374275.1 and 2 more transcripts); c.1905C>A, p.Tyr635Ter (NM_001171617.1, NM_001374277.1); short protein forms Y724*, Y662*, Y658*, Y635*.
Identifiers: ClinVar variation 846707 (VCV000846707.7), dbSNP rs759556547, ClinGen allele CA346687655.

ClinVar aggregate classification (germline): Uncertain significance (1 of 4 stars; one submission).

Conditions:
Myasthenic syndrome, congenital, 22 (CMS22). Also called: PREPL DEFICIENCY. Identifiers: MedGen C4479088, MONDO:0044299, OMIM 616224.

gnomAD v4.1: 1 of 1,606,092 alleles (0.000062%); highest among the groups gnomAD compares: African/African-American, 0.0013%; no homozygotes.

Submission:

Labcorp Genetics (formerly Invitae), Labcorp
Classification: Uncertain significance for Myasthenic syndrome, congenital, 22. Last evaluated: 2022-02-03. Review status: criteria provided, single submitter. Criteria: Invitae Variant Classification Sherloc (09022015). Collection method: clinical testing. Allele origin: germline.
Comment: In summary, the available evidence is currently insufficient to determine the role of this variant in disease. Therefore, it has been classified as a Variant of Uncertain Significance. Experimental studies and prediction algorithms are not available or were not evaluated, and the functional significance of this variant is currently unknown. ClinVar contains an entry for this variant (Variation ID: 846707). This variant has not been reported in the literature in individuals affected with PREPL-related conditions. This variant is present in population databases (no rsID available, gnomAD 0.007%). This sequence change creates a premature translational stop signal (p.Tyr724*) in the PREPL gene. While this is not anticipated to result in nonsense mediated decay, it is expected to disrupt the last 4 amino acid(s) of the PREPL protein.